The following is an entry in ClinVar:

NM_031407.7(HUWE1):c.10789G>C (p.Gly3597Arg)

Gene: HUWE1 (HECT, UBA and WWE domain containing E3 ubiquitin protein ligase 1; minus strand). Cytogenetic location: Xp11.22.
Variant type: single nucleotide variant.
Coding change: c.10789G>C on transcript NM_031407.7 (MANE Select); coding-DNA position 10789, G replaced by C.
Protein change: p.Gly3597Arg; replaces glycine 3597 with arginine.
Molecular consequence: missense variant.
Genome position (GRCh38, 1-based): chrX:53,546,562, C>G on the plus strand (G>C on the coding strand, the complement: HUWE1 is on the minus strand). VCF-style: chrX-53546562-C-G. GRCh37 (hg19) VCF-style: chrX-53573523-C-G.
Other names: c.10786G>C, p.Gly3596Arg (NM_001441056.1, NM_001441058.1, NM_001441048.1 and 2 more transcripts); c.10789G>C, p.Gly3597Arg (NM_001441057.1, NM_001441049.1, NM_001441054.1); c.10810G>C, p.Gly3604Arg (NM_001441050.1, NM_001441055.1); c.10387G>C, p.Gly3463Arg (NM_001441052.1); short protein forms G3463R, G3596R, G3597R, G3604R.
Identifiers: ClinVar variation 5017525 (VCV005017525.1).

ClinVar aggregate classification (germline): Uncertain significance (1 of 4 stars; one submission).

Submission:

GeneDx
Classification: Uncertain significance. Last evaluated: 2026-03-26. Review status: criteria provided, single submitter. Criteria: GeneDx Variant Classification Process June 2021. Collection method: clinical testing. Allele origin: germline.
Comment: Not observed at significant frequency in large population cohorts (gnomAD); In silico analysis supports that this missense variant has a deleterious effect on protein structure/function; Has not been previously published as pathogenic or benign to our knowledge